The following is an entry in ClinVar:

NM_002354.3(EPCAM):c.85T>C (p.Cys29Arg)

Gene: EPCAM (epithelial cell adhesion molecule; plus strand). Cytogenetic location: 2p21.
Variant type: single nucleotide variant.
Coding change: c.85T>C on transcript NM_002354.3 (MANE Select); coding-DNA position 85, T replaced by C.
Protein change: p.Cys29Arg; replaces cysteine 29 with arginine.
Molecular consequence: missense variant.
Genome position (GRCh38, 1-based): chr2:47,373,471, T>C. VCF-style: chr2-47373471-T-C. GRCh37 (hg19) VCF-style: chr2-47600610-T-C.
Other names: short protein forms C29R.
Identifiers: ClinVar variation 3776060 (VCV003776060.1).

ClinVar aggregate classification (germline): Uncertain significance (1 of 4 stars; one submission).

Conditions:
Congenital diarrhea 5 with tufting enteropathy. Also called: INTESTINAL EPITHELIAL CELL DYSPLASIA; Congenital tufting enteropathy. Identifiers: Orphanet 92050, MedGen C2750737, MONDO:0013184, OMIM 613217.

Submission:

3billion
Classification: Uncertain significance for Congenital diarrhea 5 with tufting enteropathy. Last evaluated: 2024-01-30. Review status: criteria provided, single submitter. Criteria: ACMG Guidelines, 2015. Collection method: clinical testing. Allele origin: germline. Affected: yes.
Comment: The variant is observed at an extremely low frequency in the gnomAD v2.1.1 dataset (total allele frequency: <0.001%). Predicted Consequence/Location: The majority of the known disease-causing variants of this gene are variants expected to result in premature termination of the protein. In silico tool predictions suggest damaging effect of the variant on gene or gene product [REVEL: 0.87 (>=0.6, sensitivity 0.68 and specificity 0.92)]. Therefore, this variant is classified as VUS according to the recommendation of ACMG/AMP guideline.